The following is an entry in ClinVar:

ClinVar aggregate classification (germline): Uncertain significance (1 of 4 stars; one submission).

Conditions:
Fanconi anemia (FA). Also called: Fanconi's anemia. Identifiers: Orphanet 84, MedGen C0015625, MeSH D005199, MONDO:0019391.

Submission:

Labcorp Genetics (formerly Invitae), Labcorp
Classification: Uncertain significance for Fanconi anemia. Last evaluated: 2024-06-19. Review status: criteria provided, single submitter. Criteria: Invitae Variant Classification Sherloc (09022015). Collection method: clinical testing. Allele origin: germline.
Comment: This sequence change replaces valine, which is neutral and non-polar, with alanine, which is neutral and non-polar, at codon 941 of the FANCD2 protein (p.Val941Ala). This variant is not present in population databases (gnomAD no frequency). This variant has not been reported in the literature in individuals affected with FANCD2-related conditions. An algorithm developed to predict the effect of missense changes on protein structure and function (PolyPhen-2) suggests that this variant is likely to be disruptive. In summary, the available evidence is currently insufficient to determine the role of this variant in disease. Therefore, it has been classified as a Variant of Uncertain Significance.

NM_001018115.3(FANCD2):c.2822T>C (p.Val941Ala)

Genes: FANCD2 (FA complementation group D2; plus strand), LOC107303338 (3p25 FANCD2 Alu-mediated recombination region; plus strand). Cytogenetic location: 3p25.3.
Variant type: single nucleotide variant.
Coding change: c.2822T>C on transcript NM_001018115.3 (MANE Select); coding-DNA position 2822, T replaced by C.
Protein change: p.Val941Ala; replaces valine 941 with alanine.
Molecular consequence: missense variant.
Genome position (GRCh38, 1-based): chr3:10,074,636, T>C. VCF-style: chr3-10074636-T-C. GRCh37 (hg19) VCF-style: chr3-10116320-T-C.
Other names: c.2822T>C, p.Val941Ala (NM_001374254.1, NM_033084.6, NM_001319984.2); c.2711T>C, p.Val904Ala (NM_001374253.1); short protein forms V904A, V941A.
Identifiers: ClinVar variation 3628930 (VCV003628930.2).